The following is an entry in ClinVar:

NM_001041.4(SI):c.2474C>T (p.Thr825Ile)

Gene: SI (sucrase-isomaltase; minus strand). Cytogenetic location: 3q26.1.
Variant type: single nucleotide variant.
Coding change: c.2474C>T on transcript NM_001041.4 (MANE Select); coding-DNA position 2474, C replaced by T.
Protein change: p.Thr825Ile; replaces threonine 825 with isoleucine.
Molecular consequence: missense variant.
Genome position (GRCh38, 1-based): chr3:165,036,430, G>A on the plus strand (C>T on the coding strand, the complement: SI is on the minus strand). VCF-style: chr3-165036430-G-A. GRCh37 (hg19) VCF-style: chr3-164754218-G-A.
Other names: short protein forms T825I.
Identifiers: ClinVar variation 2133502 (VCV002133502.3), dbSNP rs2473336213, ClinGen allele CA355047849.
Genomic context (GRCh38, chr3:165,036,430, plus strand): 5'-GTATTACTTTCAGACTTACCTTTAGTTTCTCCATCATCCCAGAAAAAGTCTCCTTTGGCT[G>A]TGTTGTTTTCACCTAATGCGACTATAAGTCCTAGAGGATTCTTACGGCTGTTAAGAAAAA-3'
Protein context (NP_001032.2, residues 815-835): GLIVALGENN[Thr825Ile]AKGDFFWDDG

ClinVar aggregate classification (germline): Uncertain significance (1 of 4 stars; one submission).

gnomAD v4.1: 5 of 1,611,630 alleles (0.00031%); highest among the groups gnomAD compares: Non-Finnish European, 0.00034%; no homozygotes.

Submission:

Labcorp Genetics (formerly Invitae), Labcorp
Classification: Uncertain significance. Last evaluated: 2022-09-19. Review status: criteria provided, single submitter. Criteria: Invitae Variant Classification Sherloc (09022015). Collection method: clinical testing. Allele origin: germline.
Comment: This variant has not been reported in the literature in individuals affected with SI-related conditions. This variant is not present in population databases (gnomAD no frequency). This sequence change replaces threonine, which is neutral and polar, with isoleucine, which is neutral and non-polar, at codon 825 of the SI protein (p.Thr825Ile). Algorithms developed to predict the effect of missense changes on protein structure and function (SIFT, PolyPhen-2, Align-GVGD) all suggest that this variant is likely to be tolerated. In summary, the available evidence is currently insufficient to determine the role of this variant in disease. Therefore, it has been classified as a Variant of Uncertain Significance.